The following is an entry in ClinVar:

NM_007294.4(BRCA1):c.5268_5269insC (p.Asp1757fs)

Gene: BRCA1 (BRCA1 DNA repair associated; minus strand). Cytogenetic location: 17q21.31.
Variant type: Insertion.
Coding change: c.5268_5269insC on transcript NM_007294.4 (MANE Select); coding-DNA positions 5268 to 5269, C inserted.
Protein change: p.Asp1757fs; shifts the reading frame from aspartic acid 1757.
Molecular consequence: frameshift variant. On other transcripts: non-coding transcript variant (1).
Genome position: GRCh38 VCF-style: chr17-43057060-C-CG. GRCh37 (hg19) VCF-style: chr17-41209077-C-CG.
Other names: 5387insC; c.5124_5125insC, p.Asp1709Argfs (NM_001407750.1, NM_001407751.1, NM_001407752.1 and 21 more transcripts); c.5121_5122insC, p.Asp1708Argfs (NM_001407838.1, NM_001407839.1, NM_001407841.1 and 12 more transcripts); c.5268_5269insC, p.Asp1757Argfs (NM_001407854.1, NM_001407593.1, NM_001407594.1 and 7 more transcripts); c.5265_5266insC, p.Asp1756Argfs (NM_001407858.1, NM_001407859.1, NM_001407860.1 and 17 more transcripts); c.5262_5263insC, p.Asp1755Argfs (NM_001407861.1, NM_001407627.1, NM_001407628.1 and 14 more transcripts); c.5067_5068insC, p.Asp1690Argfs (NM_001407862.1); c.5064_5065insC, p.Asp1689Argfs (NM_001407863.1); and 76 more; short protein forms D1757fs, D653fs, D1710fs, D1778fs.
Identifiers: ClinVar variation 96946 (VCV000096946.3), dbSNP rs431825414, ClinGen allele CA003411.

ClinVar aggregate classification (germline): Pathogenic. Review status: reviewed by expert panel (3 of 4 stars). 2 submissions from 2 submitters: Pathogenic (1). 1 of the submissions does not count toward it. Last evaluated 2017-12-15.

Conditions:
Breast-ovarian cancer, familial, susceptibility to, 1 (BROVCA1). Also called: BRCA1 Hereditary Breast and Ovarian Cancer; OVARIAN CANCER, SUSCEPTIBILITY TO. Identifiers: Orphanet 145, MedGen C2676676, MONDO:0011450, OMIM 604370. Disease mechanism: loss of function.

Submissions (2):

Evidence-based Network for the Interpretation of Germline Mutant Alleles (ENIGMA)
Classification: Pathogenic for Breast-ovarian cancer, familial, susceptibility to, 1. Last evaluated: 2017-12-15. Review status: reviewed by expert panel. Criteria: ENIGMA BRCA1/2 Classification Criteria (2017-06-29). Collection method: curation. Allele origin: germline. Study: ENIGMA.
Comment: Variant allele predicted to encode a truncated non-functional protein.

Sharing Clinical Reports Project (SCRP)
Classification: Pathogenic for Breast-ovarian cancer, familial 1. Last evaluated: 2012-05-01. Review status: no assertion criteria provided. Collection method: clinical testing. Allele origin: germline. Not counted in ClinVar's aggregate classification.